The following is an entry in ClinVar:

NM_001080517.3(SETD5):c.2048C>T (p.Ser683Leu)

Gene: SETD5 (SET domain containing 5; plus strand). Cytogenetic location: 3p25.3.
Variant type: single nucleotide variant.
Coding change: c.2048C>T on transcript NM_001080517.3 (MANE Select); coding-DNA position 2048, C replaced by T.
Protein change: p.Ser683Leu; replaces serine 683 with leucine.
Molecular consequence: missense variant.
Genome position (GRCh38, 1-based): chr3:9,447,951, C>T. VCF-style: chr3-9447951-C-T. GRCh37 (hg19) VCF-style: chr3-9489635-C-T.
Other names: c.1754C>T, p.Ser585Leu (NM_001292043.2, NM_001349451.2); short protein forms S683L, S585L.
Identifiers: ClinVar variation 3661319 (VCV003661319.2).

ClinVar aggregate classification (germline): Uncertain significance (1 of 4 stars; one submission).

Submission:

Labcorp Genetics (formerly Invitae), Labcorp
Classification: Uncertain significance. Last evaluated: 2025-08-05. Review status: criteria provided, single submitter. Criteria: Invitae Variant Classification Sherloc (09022015). Collection method: clinical testing. Allele origin: germline.
Comment: This sequence change replaces serine, which is neutral and polar, with leucine, which is neutral and non-polar, at codon 683 of the SETD5 protein (p.Ser683Leu). This variant is not present in population databases (gnomAD no frequency). This variant has not been reported in the literature in individuals affected with SETD5-related conditions. ClinVar contains an entry for this variant (Variation ID: 3661319). Invitae Evidence Modeling of protein sequence and biophysical properties (such as structural, functional, and spatial information, amino acid conservation, physicochemical variation, residue mobility, and thermodynamic stability) indicates that this missense variant is not expected to disrupt SETD5 protein function with a negative predictive value of 80%. In summary, the available evidence is currently insufficient to determine the role of this variant in disease. Therefore, it has been classified as a Variant of Uncertain Significance.